The following is an entry in ClinVar:

ClinVar aggregate classification (germline): Likely benign. Review status: criteria provided, multiple submitters, no conflicts (2 of 4 stars). 3 submissions from 3 submitters: Likely benign (2). 1 of the submissions does not count toward it. Last evaluated 2026-02-02.

Conditions:
CEP164-related disorder. Also called: CEP164-related condition.
Nephronophthisis 15 (NPHP15). Identifiers: Orphanet 3156, MedGen C3541853, MONDO:0013917, OMIM 614845.

Allele frequency attached by ClinVar (database versions not stated): 1000 Genomes Project 0.00100; 1000 Genomes Project 30x 0.00125; gnomAD 0.00134; TOPMed 0.00144; ESP Exome Variant Server 0.00162.
gnomAD v4.1: 593 of 1,614,138 alleles (0.037%); highest among the groups gnomAD compares: African/African-American, 0.43%; 3 homozygotes.

Submissions (3):

Labcorp Genetics (formerly Invitae), Labcorp
Classification: Likely benign for Nephronophthisis 15. Last evaluated: 2026-02-02. Review status: criteria provided, single submitter. Criteria: Invitae Variant Classification Sherloc (09022015). Collection method: clinical testing. Allele origin: germline.

Blueprint Genetics
Classification: Likely benign. Last evaluated: 2024-11-07. Review status: criteria provided, single submitter. Criteria: ACMG Guidelines, 2015. Collection method: clinical testing. Allele origin: germline.

PreventionGenetics, part of Exact Sciences
Classification: Likely benign for CEP164-related condition. Last evaluated: 2020-12-16. Review status: no assertion criteria provided. Collection method: clinical testing. Allele origin: germline. Not counted in ClinVar's aggregate classification.
Comment: This variant is classified as likely benign based on ACMG/AMP sequence variant interpretation guidelines (Richards et al. 2015 PMID: 25741868, with internal and published modifications).

NM_014956.5(CEP164):c.3365G>A (p.Arg1122His)

Gene: CEP164 (centrosomal protein 164; plus strand). Cytogenetic location: 11q23.3.
Variant type: single nucleotide variant.
Coding change: c.3365G>A on transcript NM_014956.5 (MANE Select); coding-DNA position 3365, G replaced by A.
Protein change: p.Arg1122His; replaces arginine 1122 with histidine.
Molecular consequence: missense variant.
Genome position (GRCh38, 1-based): chr11:117,397,177, G>A. VCF-style: chr11-117397177-G-A. GRCh37 (hg19) VCF-style: chr11-117267893-G-A.
Other names: c.3374G>A, p.Arg1125His (NM_001271933.2); short protein forms R1125H, R1122H.
Identifiers: ClinVar variation 772989 (VCV000772989.14), dbSNP rs144910893, ClinGen allele CA6295430.